The following is an entry in ClinVar:

NM_001267550.2(TTN):c.49971G>T (p.Trp16657Cys)

Genes: TTN (titin; minus strand), TTN-AS1 (TTN antisense RNA 1; plus strand). Cytogenetic location: 2q31.2.
Variant type: single nucleotide variant.
Coding change: c.49971G>T on transcript NM_001267550.2 (MANE Select); coding-DNA position 49971, G replaced by T.
Protein change: p.Trp16657Cys; replaces tryptophan 16657 with cysteine.
Molecular consequence: missense variant.
Genome position (GRCh38, 1-based): chr2:178,612,554, C>A on the plus strand (G>T on the coding strand, the complement: TTN is on the minus strand). VCF-style: chr2-178612554-C-A. GRCh37 (hg19) VCF-style: chr2-179477281-C-A.
Other names: p.W15016C:TGG>TGT; c.45048G>T, p.Trp15016Cys (NM_001256850.1); c.22776G>T, p.Trp7592Cys (NM_003319.4); c.42267G>T, p.Trp14089Cys (NM_133378.4); c.23151G>T, p.Trp7717Cys (NM_133432.3); c.23352G>T, p.Trp7784Cys (NM_133437.4); short protein forms W15016C, W16657C, W7717C, W14089C, W7592C, W7784C.
Identifiers: ClinVar variation 202681 (VCV000202681.2), dbSNP rs794729450, ClinGen allele CA309965.

ClinVar aggregate classification (germline): Uncertain significance (1 of 4 stars; one submission).

Submission:

GeneDx
Classification: Uncertain significance. Last evaluated: 2014-05-16. Review status: criteria provided, single submitter. Criteria: GeneDx Variant Classification (06012015). Collection method: clinical testing. Allele origin: germline. Affected: yes.
Comment: Missense variants in the TTN gene are considered 'unclassified' if they are not previously reported in the literature and do not have >1% frequency in the population to be considered a polymorphism. Research indicates that truncating mutations in the TTN gene are expected to account for approximately 25% of familial and 18% of sporadic idiopathic DCM; however, truncating variants in the TTN gene have been reported in approximately 3% of reported control alleles. There has been little investigation into non-truncating variants. (Herman D et al. Truncations of titin causing dilated cardiomyopathy. N Eng J Med 366:619-628, 2012) The variant is found in CARDIOMYOPATHY panel(s).